The following is an entry in ClinVar:

NM_020719.3(PRR12):c.2773C>T (p.Arg925Cys)

Gene: PRR12 (proline rich 12; plus strand). Cytogenetic location: 19q13.33.
Variant type: single nucleotide variant.
Coding change: c.2773C>T on transcript NM_020719.3 (MANE Select); coding-DNA position 2773, C replaced by T.
Protein change: p.Arg925Cys; replaces arginine 925 with cysteine.
Molecular consequence: missense variant.
Genome position (GRCh38, 1-based): chr19:49,597,108, C>T. VCF-style: chr19-49597108-C-T. GRCh37 (hg19) VCF-style: chr19-50100365-C-T.
Other names: short protein forms R925C.
Identifiers: ClinVar variation 3252255 (VCV003252255.2), dbSNP rs2514273674.

ClinVar aggregate classification (germline): Uncertain significance (1 of 4 stars; one submission).

Allele frequency attached by ClinVar (database versions not stated): gnomAD exomes below 0.00001.
gnomAD v4.1: 3 of 1,550,978 alleles (0.00019%); highest among the groups gnomAD compares: Non-Finnish European, 0.00026%; no homozygotes.

Submission:

GeneDx
Classification: Uncertain significance. Last evaluated: 2024-07-26. Review status: criteria provided, single submitter. Criteria: GeneDx Variant Classification Process June 2021. Collection method: clinical testing. Allele origin: germline.
Comment: Not observed at significant frequency in large population cohorts (gnomAD); In silico analysis supports that this missense variant has a deleterious effect on protein structure/function; Has not been previously published as pathogenic or benign to our knowledge